The following is an entry in ClinVar:

ClinVar aggregate classification (germline): Uncertain significance. Review status: criteria provided, multiple submitters, no conflicts (2 of 4 stars). 4 submissions from 4 submitters: Uncertain significance (4). Last evaluated 2025-07-20.

Conditions:
OTOGL-related disorder. Also called: OTOGL-related condition.
Inborn genetic diseases. Identifiers: MedGen C0950123, MeSH D030342.

Allele frequency attached by ClinVar (database versions not stated): gnomAD 0.00004; ExAC 0.00005; gnomAD exomes 0.00006 and 0.00007; TOPMed 0.00008.
gnomAD v4.1: 91 of 1,604,902 alleles (0.0057%); highest among the groups gnomAD compares: Middle Eastern, 0.017%; no homozygotes.

Submissions (4):

PreventionGenetics, part of Exact Sciences
Classification: Uncertain significance for OTOGL-related condition. Last evaluated: 2025-07-20. Review status: criteria provided, single submitter. Criteria: ACMG Guidelines, 2015. Collection method: clinical testing. Allele origin: germline.
Comment: The OTOGL c.994T>C variant is predicted to result in the amino acid substitution p.Tyr332His. To our knowledge, this variant has not been reported in the literature. This variant is reported in 0.012% of alleles in individuals of European (Non-Finnish) descent in gnomAD. At this time, the clinical significance of this variant is uncertain due to the absence of conclusive functional and genetic evidence.

Ambry Genetics
Classification: Uncertain significance for Inborn genetic diseases. Last evaluated: 2023-08-14. Review status: criteria provided, single submitter. Criteria: Ambry Variant Classification Scheme 2023. Collection method: clinical testing. Allele origin: germline.

Labcorp Genetics (formerly Invitae), Labcorp
Classification: Uncertain significance. Last evaluated: 2021-09-24. Review status: criteria provided, single submitter. Criteria: Invitae Variant Classification Sherloc (09022015). Collection method: clinical testing. Allele origin: germline.
Comment: This sequence change replaces tyrosine with histidine at codon 332 of the OTOGL protein (p.Tyr332His). The tyrosine residue is moderately conserved and there is a moderate physicochemical difference between tyrosine and histidine. This variant is present in population databases (rs573760702, ExAC 0.008%). This variant has not been reported in the literature in individuals with OTOGL-related conditions. Algorithms developed to predict the effect of missense changes on protein structure and function are either unavailable or do not agree on the potential impact of this missense change (SIFT: "Deleterious"; PolyPhen-2: "Probably Damaging"; Align-GVGD: "Class C0"). In summary, the available evidence is currently insufficient to determine the role of this variant in disease. Therefore, it has been classified as a Variant of Uncertain Significance.

GeneDx
Classification: Uncertain significance. Last evaluated: 2020-03-03. Review status: criteria provided, single submitter. Criteria: GeneDx Variant Classification Process June 2021. Collection method: clinical testing. Allele origin: germline. Affected: yes.
Comment: In silico analysis supports that this missense variant has a deleterious effect on protein structure/function

NM_001378609.3(OTOGL):c.1021T>C (p.Tyr341His)

Gene: OTOGL (otogelin like; plus strand). Cytogenetic location: 12q21.31.
Variant type: single nucleotide variant.
Coding change: c.1021T>C on transcript NM_001378609.3 (MANE Select); coding-DNA position 1021, T replaced by C.
Protein change: p.Tyr341His; replaces tyrosine 341 with histidine.
Molecular consequence: missense variant.
Genome position (GRCh38, 1-based): chr12:80,239,408, T>C. VCF-style: chr12-80239408-T-C. GRCh37 (hg19) VCF-style: chr12-80633188-T-C.
Other names: c.1021T>C, p.Tyr341His (NM_001368062.3, NM_001378610.3, NM_173591.7); short protein forms Y341H.
Identifiers: ClinVar variation 1303797 (VCV001303797.9), dbSNP rs573760702, ClinGen allele CA6700346.